The following is an entry in ClinVar:

NM_001171613.2(PREPL):c.703-2A>G

Gene: PREPL (prolyl endopeptidase like; minus strand). Cytogenetic location: 2p21.
Variant type: single nucleotide variant.
Coding change: c.703-2A>G on transcript NM_001171613.2 (MANE Select); the canonical splice acceptor site of the intron before coding-DNA position 703, A replaced by G.
Molecular consequence: splice acceptor variant. On other transcripts: intron variant (1).
Genome position (GRCh38, 1-based): chr2:44,338,538, T>C on the plus strand (A>G on the coding strand, the complement: PREPL is on the minus strand). VCF-style: chr2-44338538-T-C. GRCh37 (hg19) VCF-style: chr2-44565677-T-C.
Other names: c.703-2A>G (NM_001171617.1, NM_001374277.1); c.970-2A>G (NM_001171603.1, NM_001374275.1, NM_001374276.1 and 3 more transcripts); c.969+609A>G (NM_001042385.2).
Identifiers: ClinVar variation 1492660 (VCV001492660.8), dbSNP rs2103914962, ClinGen allele CA346691770.

ClinVar aggregate classification (germline): Likely pathogenic (1 of 4 stars; one submission).

Conditions:
Myasthenic syndrome, congenital, 22 (CMS22). Also called: PREPL DEFICIENCY. Identifiers: MedGen C4479088, MONDO:0044299, OMIM 616224.

Submission:

Labcorp Genetics (formerly Invitae), Labcorp
Classification: Likely pathogenic for Myasthenic syndrome, congenital, 22. Last evaluated: 2021-04-02. Review status: criteria provided, single submitter. Criteria: Invitae Variant Classification Sherloc (09022015). Collection method: clinical testing. Allele origin: germline.
Comment: In summary, the currently available evidence indicates that the variant is pathogenic, but additional data are needed to prove that conclusively. Therefore, this variant has been classified as Likely Pathogenic. Algorithms developed to predict the effect of sequence changes on RNA splicing suggest that this variant may disrupt the consensus splice site, but this prediction has not been confirmed by published transcriptional studies. This variant has not been reported in the literature in individuals with PREPL-related conditions. This variant is not present in population databases (ExAC no frequency). This sequence change affects an acceptor splice site in intron 6 of the PREPL gene. It is expected to disrupt RNA splicing. Variants that disrupt the donor or acceptor splice site typically lead to a loss of protein function (PMID: 16199547), and loss-of-function variants in PREPL are known to be pathogenic (PMID: 24610330, 28726805, 29913539).

Literature cited by the submitters: PubMed 16199547; PubMed 24610330; PubMed 28726805; PubMed 29913539.